The following is an entry in ClinVar:

ClinVar aggregate classification (germline): Benign/Likely benign. Review status: criteria provided, multiple submitters, no conflicts (2 of 4 stars). 3 submissions from 3 submitters: Benign (1); Likely benign (2). Last evaluated 2025-11-03.

Allele frequency attached by ClinVar (database versions not stated): gnomAD exomes 0.00007; ExAC 0.00008; gnomAD 0.00008; TOPMed 0.00008; ESP Exome Variant Server 0.00016.

Submissions (3):

Women's Health and Genetics/Laboratory Corporation of America, LabCorp
Classification: Benign. Last evaluated: 2025-11-03. Review status: criteria provided, single submitter. Criteria: LabCorp Variant Classification Summary - May 2015. Collection method: clinical testing. Allele origin: germline.
Comment: Variant summary: MYH14 c.1186+11C>T alters a nucleotide located at a position not widely known to affect splicing. Consensus agreement among computation tools predict no significant impact on normal splicing. However, these predictions have yet to be confirmed by functional studies. The variant allele was found at a frequency of 7.4e-05 in 243524 control chromosomes. The observed variant frequency exceeds the estimated maximal expected allele frequency for disease-causing variants in MYH14. To our knowledge, no occurrence of c.1186+11C>T in individuals affected with MYH14-related conditions and no experimental evidence demonstrating its impact on protein function have been reported. ClinVar contains an entry for this variant (Variation ID: 2961497). Based on the evidence outlined above, the variant was classified as benign.

Blueprint Genetics
Classification: Likely benign. Last evaluated: 2024-02-14. Review status: criteria provided, single submitter. Criteria: ACMG Guidelines, 2015. Collection method: clinical testing. Allele origin: germline.

Labcorp Genetics (formerly Invitae), Labcorp
Classification: Likely benign. Last evaluated: 2023-11-03. Review status: criteria provided, single submitter. Criteria: Invitae Variant Classification Sherloc (09022015). Collection method: clinical testing. Allele origin: germline.

NM_001145809.2(MYH14):c.1210+11C>T

Gene: MYH14 (myosin heavy chain 14; plus strand). Cytogenetic location: 19q13.33.
Variant type: single nucleotide variant.
Coding change: c.1210+11C>T on transcript NM_001145809.2 (MANE Select); 11 bases into the intron after coding-DNA position 1210, C replaced by T.
Molecular consequence: intron variant.
Genome position (GRCh38, 1-based): chr19:50,244,348, C>T. VCF-style: chr19-50244348-C-T. GRCh37 (hg19) VCF-style: chr19-50747605-C-T.
Other names: c.1210+11C>T (NM_001077186.2); c.1186+11C>T (NM_024729.4).
Identifiers: ClinVar variation 2961497 (VCV002961497.5), dbSNP rs200034635, ClinGen allele CA9592546.